The following is an entry in ClinVar:

ClinVar aggregate classification (germline): Conflicting classifications of pathogenicity. Review status: criteria provided, conflicting classifications (1 of 4 stars). 5 submissions from 5 submitters: Uncertain significance (1); Benign (1); Likely benign (3). Last evaluated 2026-02-01.

Conditions:
Familial porphyria cutanea tarda (PCT). Also called: PCT, ''FAMILIAL'' TYPE; PCT, TYPE II; PORPHYRIA CUTANEA TARDA, TYPE II; PORPHYRIA, HEPATOCUTANEOUS TYPE; UROD DEFICIENCY; UROPORPHYRINOGEN DECARBOXYLASE DEFICIENCY. Identifiers: Orphanet 101330, Orphanet 443062, MedGen C0268323, MONDO:0008296, OMIM 176100.

Allele frequency attached by ClinVar (database versions not stated): TOPMed 0.00325; 1000 Genomes Project 30x 0.00359; 1000 Genomes Project 0.00419; gnomAD 0.00523 and 0.00527; ESP Exome Variant Server 0.00538; gnomAD exomes 0.00580 and 0.00586; ExAC 0.00585.

Submissions (5):

CeGaT Center for Human Genetics Tuebingen
Classification: Likely benign. Last evaluated: 2026-02-01. Review status: criteria provided, single submitter. Criteria: CeGaT Center For Human Genetics Tuebingen Variant Classification Criteria Version 2. Collection method: clinical testing. Allele origin: germline. Affected: yes. Observed: 3 variant alleles.
Comment: UROD: BS2

Labcorp Genetics (formerly Invitae), Labcorp
Classification: Benign. Last evaluated: 2026-02-01. Review status: criteria provided, single submitter. Criteria: Invitae Variant Classification Sherloc (09022015). Collection method: clinical testing. Allele origin: germline.

Mayo Clinic Laboratories, Mayo Clinic
Classification: Likely benign. Last evaluated: 2025-10-02. Review status: criteria provided, single submitter. Criteria: ACMG Guidelines, 2015. Collection method: clinical testing. Allele origin: germline. Observed: 5 variant alleles.
Comment: BA1

Mendelics
Classification: Uncertain significance for Familial porphyria cutanea tarda. Last evaluated: 2019-05-28. Review status: criteria provided, single submitter. Criteria: Mendelics Assertion Criteria 2017. Collection method: clinical testing. Allele origin: unknown.

Illumina Laboratory Services, Illumina
Classification: Likely benign for Familial porphyria cutanea tarda. Last evaluated: 2018-03-06. Review status: criteria provided, single submitter. Criteria: ICSL Variant Classification Criteria 13 December 2019. Collection method: clinical testing. Allele origin: germline.
Comment: This variant was observed in the ICSL laboratory as part of a predisposition screen in an ostensibly healthy population. It had not been previously curated by ICSL or reported in the Human Gene Mutation Database (HGMD: prior to June 1st, 2018), and was therefore a candidate for classification through an automated scoring system. Utilizing variant allele frequency, disease prevalence and penetrance estimates, and inheritance mode, an automated score was calculated to assess if this variant is too frequent to cause the disease. Based on the score and internal cut-off values, a variant classified as likely benign is not then subjected to further curation. The score for this variant resulted in a classification of likely benign for this disease.

Literature cited by the submitters: PubMed 39596086 (cited by Mayo Clinic Laboratories, Mayo Clinic).

NM_000374.5(UROD):c.758T>A (p.Leu253Gln)

Gene: UROD (uroporphyrinogen decarboxylase; plus strand). Cytogenetic location: 1p34.1.
Variant type: single nucleotide variant.
Coding change: c.758T>A on transcript NM_000374.5 (MANE Select); coding-DNA position 758, T replaced by A.
Protein change: p.Leu253Gln; replaces leucine 253 with glutamine.
Molecular consequence: missense variant. On other transcripts: non-coding transcript variant (3).
Genome position (GRCh38, 1-based): chr1:45,014,560, T>A. VCF-style: chr1-45014560-T-A. GRCh37 (hg19) VCF-style: chr1-45480232-T-A.
Other names: short protein forms L253Q.
Identifiers: ClinVar variation 297463 (VCV000297463.25), dbSNP rs36033115, ClinGen allele CA501133.
Genomic context (GRCh38, chr1:45,014,560, plus strand): 5'-CACTGCCTTACATCCGTGATGTGGCCAAGCAAGTGAAGGCCAGGTTGCGGGAGGCAGGCC[T>A]GGCACCAGTGCCCATGGTGAGGATTGGGATGGGTTGAGTGAAGGTGGTCCTGTGGAGCTT-3'
Protein context (NP_000365.3, residues 243-263): QVKARLREAG[Leu253Gln]APVPMIIFAK